The following is an entry in ClinVar:

NM_004304.5(ALK):c.428T>A (p.Leu143Gln)

Gene: ALK (ALK receptor tyrosine kinase; minus strand). Cytogenetic location: 2p23.1.
Variant type: single nucleotide variant.
Coding change: c.428T>A on transcript NM_004304.5 (MANE Select); coding-DNA position 428, T replaced by A.
Protein change: p.Leu143Gln; replaces leucine 143 with glutamine.
Molecular consequence: missense variant.
Genome position (GRCh38, 1-based): chr2:29,920,232, A>T on the plus strand (T>A on the coding strand, the complement: ALK is on the minus strand). VCF-style: chr2-29920232-A-T. GRCh37 (hg19) VCF-style: chr2-30143098-A-T.
Other names: short protein forms L143Q.
Identifiers: ClinVar variation 1017861 (VCV001017861.14), dbSNP rs777656583, ClinGen allele CA45004761.
Genomic context (GRCh38, chr2:29,920,232, plus strand): 5'-ACAGCCGCCTCCCCGGGGGGCCCGACGCAACCCTCCAAGATCGCCTCCTCGCCCAGCTCC[A>T]GCACCAACTGCTTGGCACGCCGGAGCTTGCGCACGGAGCCGCCCTTCAGCACCCTGGACA-3'
Protein context (NP_004295.2, residues 133-153): RKLRRAKQLV[Leu143Gln]ELGEEAILEG

ClinVar aggregate classification (germline): Uncertain significance. Review status: criteria provided, multiple submitters, no conflicts (2 of 4 stars). 4 submissions from 4 submitters: Uncertain significance (4). Last evaluated 2026-01-05.

Conditions:
Hereditary cancer-predisposing syndrome. Also called: Tumor predisposition; Hereditary Cancer Syndrome; Neoplastic Syndromes, Hereditary; Hereditary neoplastic syndrome. Identifiers: Orphanet 140162, MedGen C0027672, MeSH D009386, MONDO:0015356.
Neuroblastoma, susceptibility to, 3. Also called: ALK-Related Neuroblastic Tumor Susceptibility. Identifiers: Orphanet 635, MedGen C2751681, MONDO:0013083, OMIM 613014.

Allele frequency attached by ClinVar (database versions not stated): gnomAD 0.00001; TOPMed 0.00004.
gnomAD v4.1: 3 of 1,611,596 alleles (0.00019%); highest among the groups gnomAD compares: African/African-American, 0.004%; no homozygotes.

Submissions (4):

Labcorp Genetics (formerly Invitae), Labcorp
Classification: Uncertain significance for Neuroblastoma, susceptibility to, 3. Last evaluated: 2026-01-05. Review status: criteria provided, single submitter. Criteria: Invitae Variant Classification Sherloc (09022015). Collection method: clinical testing. Allele origin: germline.
Comment: This sequence change replaces leucine, which is neutral and non-polar, with glutamine, which is neutral and polar, at codon 143 of the ALK protein (p.Leu143Gln). This variant is present in population databases (no rsID available, gnomAD 0.01%). This variant has not been reported in the literature in individuals affected with ALK-related conditions. ClinVar contains an entry for this variant (Variation ID: 1017861). An algorithm developed to predict the effect of missense changes on protein structure and function (PolyPhen-2) suggests that this variant is likely to be disruptive. In summary, the available evidence is currently insufficient to determine the role of this variant in disease. Therefore, it has been classified as a Variant of Uncertain Significance.

GeneDx
Classification: Uncertain significance. Last evaluated: 2024-06-21. Review status: criteria provided, single submitter. Criteria: GeneDx Variant Classification Process June 2021. Collection method: clinical testing. Allele origin: germline. Affected: yes.
Comment: In silico analysis indicates that this missense variant does not alter protein structure/function; Has not been previously published as pathogenic or benign to our knowledge

Ambry Genetics
Classification: Uncertain significance for Hereditary cancer-predisposing syndrome. Last evaluated: 2024-06-07. Review status: criteria provided, single submitter. Criteria: Ambry Variant Classification Scheme 2023. Collection method: clinical testing. Allele origin: germline.
Comment: The p.L143Q variant (also known as c.428T>A), located in coding exon 1 of the ALK gene, results from a T to A substitution at nucleotide position 428. The leucine at codon 143 is replaced by glutamine, an amino acid with dissimilar properties. This amino acid position is conserved. In addition, this alteration is predicted to be deleterious by in silico analysis. Since supporting evidence is limited at this time, the clinical significance of this alteration remains unclear.

Baylor Genetics
Classification: Uncertain significance for Neuroblastoma, susceptibility to, 3. Last evaluated: 2023-08-04. Review status: criteria provided, single submitter. Criteria: ACMG Guidelines, 2015. Collection method: clinical testing. Allele origin: unknown.